The following is an entry in ClinVar:

NM_005188.4(CBL):c.1227+4C>T

Gene: CBL (Cbl proto-oncogene; plus strand). Cytogenetic location: 11q23.3.
Variant type: single nucleotide variant.
Coding change: c.1227+4C>T on transcript NM_005188.4 (MANE Select); 4 bases into the intron after coding-DNA position 1227, C replaced by T.
Molecular consequence: intron variant.
Genome position (GRCh38, 1-based): chr11:119,278,301, C>T. VCF-style: chr11-119278301-C-T. GRCh37 (hg19) VCF-style: chr11-119149011-C-T.
Identifiers: ClinVar variation 45198 (VCV000045198.67), dbSNP rs201747825, ClinGen allele CA135698.

ClinVar aggregate classification (germline): Benign/Likely benign. Review status: criteria provided, multiple submitters, no conflicts (2 of 4 stars). 21 submissions from 21 submitters: Benign (7); Likely benign (9). 5 of the submissions do not count toward it. Last evaluated 2026-09-16.

Conditions:
Myeloproliferative neoplasm. Identifiers: Orphanet 98274, MedGen C1292778, MONDO:0020076.
Cardiovascular phenotype. Identifiers: MedGen CN230736.
Juvenile myelomonocytic leukemia (JMML). Also called: LEUKEMIA, JUVENILE MYELOMONOCYTIC, SOMATIC. Identifiers: Orphanet 86834, MedGen C0349639, MONDO:0011908, OMIM 607785, HP:0012209.
CBL-related disorder. Also called: NOONAN SYNDROME-LIKE DISORDER WITHOUT JUVENILE MYELOMONOCYTIC LEUKEMIA; CBL MUTATION-ASSOCIATED SYNDROME; CBL SYNDROME. Identifiers: Orphanet 363972, MedGen C3150803, MONDO:0013308, OMIM 613563.
Noonan syndrome and Noonan-related syndrome. Identifiers: Orphanet 98733, MedGen C5681679, MONDO:0020297.
RASopathy. Also called: rasopathies; Noonan spectrum disorder. Identifiers: Orphanet 536391, MedGen C5555857, MONDO:0021060.

Allele frequency attached by ClinVar (database versions not stated): ESP Exome Variant Server 0.00031; gnomAD 0.00048 and 0.00050; TOPMed 0.00071; ExAC 0.00086.
gnomAD v4.1: 989 of 1,613,818 alleles (0.061%); highest among the groups gnomAD compares: Middle Eastern, 1.6%; 4 homozygotes.

Submissions (21):

Dept of Medical Biology, Uskudar University
Classification: Likely benign for Myeloproliferative neoplasm. Last evaluated: 2026-09-16. Review status: criteria provided, single submitter. Criteria: Dept of Medical Biology Variant Classification. Collection method: research. Allele origin: germline. Affected: yes. Observed: 2 variant alleles.
Comment: BS1: allele frequency 1.6e-02 in the Middle Eastern population and 6.2e-04 overall in gnomAD v4.1. BP4: no predicted splicing effect (SpliceAI maximum delta score 0.00). BP6: classified as benign or likely benign in ClinVar by multiple submitters (VCV000045198). Detected in two patients. BS1 was applied at full strength where the gnomAD v4.1 grpmax filtering allele frequency exceeds 2.5e-04 (PMID:28518168) and at supporting strength where only the unfiltered population frequency does. Classified as likely benign under the ACMG/AMP 2015 guidelines (PMID:25741868). Detected in a retrospective series of 256 BCR::ABL1-negative and JAK2 V617F-negative patients referred for molecular investigation of a suspected myeloproliferative neoplasm (May 2007 to January 2015) and re-interpreted under the ACMG/AMP 2015 criteria.

CeGaT Center for Human Genetics Tuebingen
Classification: Likely benign. Last evaluated: 2026-04-01. Review status: criteria provided, single submitter. Criteria: CeGaT Center For Human Genetics Tuebingen Variant Classification Criteria Version 2. Collection method: clinical testing. Allele origin: germline. Affected: yes. Observed: 18 variant alleles.
Comment: CBL: BP4, BS1

Labcorp Genetics (formerly Invitae), Labcorp
Classification: Likely benign for RASopathy. Last evaluated: 2026-02-01. Review status: criteria provided, single submitter. Criteria: Invitae Variant Classification Sherloc (09022015). Collection method: clinical testing. Allele origin: germline.

Laboratory of Genetics, Children's Clinical University Hospital Latvia
Classification: Benign. Last evaluated: 2025-02-16. Review status: criteria provided, single submitter. Criteria: ACMG Guidelines, 2015. Collection method: clinical testing. Allele origin: germline. Affected: yes.

Blueprint Genetics
Classification: Likely benign. Last evaluated: 2024-11-22. Review status: criteria provided, single submitter. Criteria: ACMG Guidelines, 2015. Collection method: clinical testing. Allele origin: germline.

Ambry Genetics
Classification: Benign for Cardiovascular phenotype. Last evaluated: 2024-09-23. Review status: criteria provided, single submitter. Criteria: Ambry Variant Classification Scheme 2023. Collection method: clinical testing. Allele origin: germline.

ARUP Laboratories, Molecular Genetics and Genomics, ARUP Laboratories
Classification: Benign. Last evaluated: 2023-09-27. Review status: criteria provided, single submitter. Criteria: ARUP Molecular Germline Variant Investigation Process 2024. Collection method: clinical testing. Allele origin: germline.

KCCC/NGS Laboratory, Kuwait Cancer Control Center
Classification: Benign for Juvenile myelomonocytic leukemia. Last evaluated: 2023-07-07. Review status: criteria provided, single submitter. Criteria: ACMG Guidelines, 2015. Collection method: clinical testing. Allele origin: germline. Affected: yes.

Genetic Services Laboratory, University of Chicago
Classification: Likely benign. Last evaluated: 2021-12-02. Review status: criteria provided, single submitter. Criteria: ACMG Guidelines, 2015. Collection method: clinical testing. Allele origin: germline. Affected: no.

Fulgent Genetics
Classification: Likely benign for Juvenile myelomonocytic leukemia; CBL-related disorder. Last evaluated: 2021-07-09. Review status: criteria provided, single submitter. Criteria: ACMG Guidelines, 2015. Collection method: clinical testing. Allele origin: unknown.

Genome Diagnostics Laboratory, The Hospital for Sick Children
Classification: Benign for Noonan syndrome and Noonan-related syndrome. Last evaluated: 2020-09-25. Review status: criteria provided, single submitter. Criteria: ACMG Guidelines, 2015. Collection method: clinical testing. Allele origin: germline.

Women's Health and Genetics/Laboratory Corporation of America, LabCorp
Classification: Benign. Last evaluated: 2019-12-24. Review status: criteria provided, single submitter. Criteria: LabCorp Variant Classification Summary - May 2015. Collection method: clinical testing. Allele origin: germline.
Comment: Variant summary: CBL c.1227+4C>T alters a non-conserved nucleotide located close to a canonical splice site and therefore could affect mRNA splicing, leading to a significantly altered protein sequence. 4/4 computational tools predict no significant impact on normal splicing. However, these predictions have yet to be confirmed by functional studies. The variant allele was found at a frequency of 0.00083 in 251398 control chromosomes. The observed variant frequency is approximately 331 fold of the estimated maximal expected allele frequency for a pathogenic variant in CBL causing Noonan Syndrome and Related Conditions phenotype (2.5e-06), strongly suggesting that the variant is benign. To our knowledge, no occurrence of c.1227+4C>T in individuals affected with Noonan Syndrome and Related Conditions and no experimental evidence demonstrating its impact on protein function have been reported. Two clinical diagnostic laboratories have submitted clinical-significance assessments for this variant to ClinVar after 2014 without evidence for independent evaluation. All laboratories classified the variant as likely benign. Based on the evidence outlined above, the variant was classified as benign.

Illumina Laboratory Services, Illumina
Classification: Likely benign for CBL-related disorder. Last evaluated: 2017-04-27. Review status: criteria provided, single submitter. Criteria: ICSL Variant Classification Criteria 13 December 2019. Collection method: clinical testing. Allele origin: germline.
Comment: This variant was observed as part of a predisposition screen in an ostensibly healthy population. A literature search was performed for the gene, cDNA change, and amino acid change (where applicable). Publications were found based on this search. The evidence from the literature, in combination with allele frequency data from public databases where available, was sufficient to determine this variant is unlikely to cause disease. Therefore, this variant is classified as likely benign.

Laboratory for Molecular Medicine, Mass General Brigham Personalized Medicine
Classification: Likely benign. Last evaluated: 2014-03-21. Review status: criteria provided, single submitter. Criteria: LMM Criteria. Collection method: clinical testing. Allele origin: germline. Observed: 12 variant alleles.
Comment: 1227+4C>T in intron 8 of CBL: This variant has now been identified by our labora tory in several individuals with clinical features of Noonan syndrome. However, this variant was identified in two unaffected parents, and two of the affected i ndividuals with this variant also had a pathogenic variant in another gene assoc iated with Noonan syndrome (LMM unpublished data). This variant has also been re ported in a patient with clinical features of juvenile myelomonocytic leukemia ( JMML; Loh 2009), but has been identified in 0.05% (4/8590) of European American chromosomes from a large population study by the NHLBI Exome Sequencing Project (dbSNP rs201747825). This variant is located in the 5' splice region, though computational tools do not suggest an impact to splicing. In summary, this variant is not expected to have clinical significance because it has been identified in the general population and in two reportedly unaffected parents.

GeneDx
Classification: Benign for Rasopathy. Last evaluated: 2012-04-17. Review status: criteria provided, single submitter. Criteria: GeneDx Variant Classification (06012015). Collection method: clinical testing. Allele origin: germline. Affected: yes.
Comment: The variant is found in NOONAN panel(s).

Breakthrough Genomics
Classification: Likely benign. Review status: criteria provided, single submitter. Criteria: ACMG Guidelines, 2015. Collection method: not provided. Allele origin: germline. Inheritance: Autosomal dominant inheritance. Affected: yes.

PreventionGenetics, part of Exact Sciences
Classification: Benign for CBL-related condition. Last evaluated: 2019-09-11. Review status: no assertion criteria provided. Collection method: clinical testing. Allele origin: germline. Not counted in ClinVar's aggregate classification.
Comment: This variant is classified as benign based on ACMG/AMP sequence variant interpretation guidelines (Richards et al. 2015 PMID: 25741868, with internal and published modifications).

Clinical Genetics DNA and cytogenetics Diagnostics Lab, Erasmus MC, Erasmus Medical Center
Classification: Likely benign. Review status: no assertion criteria provided. Collection method: clinical testing. Allele origin: germline. Affected: yes. Study: VKGL Data-share Consensus. Not counted in ClinVar's aggregate classification.

Clinical Genetics, Academic Medical Center
Classification: Likely benign. Review status: no assertion criteria provided. Collection method: clinical testing. Allele origin: germline. Affected: yes. Study: VKGL Data-share Consensus. Not counted in ClinVar's aggregate classification.

Genome Diagnostics Laboratory, University Medical Center Utrecht
Classification: Benign. Review status: no assertion criteria provided. Collection method: clinical testing. Allele origin: germline. Affected: yes. Study: VKGL Data-share Consensus. Not counted in ClinVar's aggregate classification.

Joint Genome Diagnostic Labs from Nijmegen and Maastricht, Radboudumc and MUMC+
Classification: Likely benign. Review status: no assertion criteria provided. Collection method: clinical testing. Allele origin: germline. Affected: yes. Study: VKGL Data-share Consensus. Not counted in ClinVar's aggregate classification.

Literature cited by the submitters: PubMed 20951944 (cited by Women's Health and Genetics/Laboratory Corporation of America, LabCorp); PubMed 19620960 (cited by Women's Health and Genetics/Laboratory Corporation of America, LabCorp); PubMed 29296819 (cited by Women's Health and Genetics/Laboratory Corporation of America, LabCorp); PubMed 27069254 (cited by Women's Health and Genetics/Laboratory Corporation of America, LabCorp); PubMed 19571318 (cited by Illumina Laboratory Services, Illumina and Laboratory for Molecular Medicine, Mass General Brigham Personalized Medicine); PubMed 20619386 (cited by Laboratory for Molecular Medicine, Mass General Brigham Personalized Medicine); PubMed 20694012 (cited by Laboratory for Molecular Medicine, Mass General Brigham Personalized Medicine).